The following is an entry in ClinVar:

NM_001365536.1(SCN9A):c.911A>G (p.Tyr304Cys)

Genes: SCN9A (sodium voltage-gated channel alpha subunit 9; minus strand), SCN1A-AS1 (SCN1A and SCN9A antisense RNA 1; plus strand). Cytogenetic location: 2q24.3.
Variant type: single nucleotide variant.
Coding change: c.911A>G on transcript NM_001365536.1 (MANE Select); coding-DNA position 911, A replaced by G.
Protein change: p.Tyr304Cys; replaces tyrosine 304 with cysteine.
Molecular consequence: missense variant. On other transcripts: non-coding transcript variant (1).
Genome position (GRCh38, 1-based): chr2:166,294,653, T>C on the plus strand (A>G on the coding strand, the complement: SCN9A is on the minus strand). VCF-style: chr2-166294653-T-C. GRCh37 (hg19) VCF-style: chr2-167151163-T-C.
Other names: c.911A>G, p.Tyr304Cys (NM_002977.4); short protein forms Y304C.
Identifiers: ClinVar variation 2949122 (VCV002949122.3), dbSNP rs2468074401, ClinGen allele CA349089813.

ClinVar aggregate classification (germline): Uncertain significance (1 of 4 stars; one submission).

Conditions:
Neuropathy, hereditary sensory and autonomic, type 2A (HSAN2A). Also called: ACROOSTEOLYSIS, GIACCAI TYPE; ACROOSTEOLYSIS, NEUROGENIC; MORVAN DISEASE; NEUROPATHY, CONGENITAL SENSORY; NEUROPATHY, HEREDITARY SENSORY RADICULAR, AUTOSOMAL RECESSIVE; NEUROPATHY, HEREDITARY SENSORY, TYPE IIA. Identifiers: Orphanet 970, MedGen C2752089, MONDO:0024309, OMIM 201300.
Generalized epilepsy with febrile seizures plus, type 7 (GEFSP7). Also called: GEFS+, TYPE 7. Identifiers: Orphanet 36387, MedGen C2751778, MONDO:0013470, OMIM 613863.

Submission:

Labcorp Genetics (formerly Invitae), Labcorp
Classification: Uncertain significance for Neuropathy, hereditary sensory and autonomic, type 2A; Generalized epilepsy with febrile seizures plus, type 7. Last evaluated: 2023-11-27. Review status: criteria provided, single submitter. Criteria: Invitae Variant Classification Sherloc (09022015). Collection method: clinical testing. Allele origin: germline.
Comment: This sequence change replaces tyrosine, which is neutral and polar, with cysteine, which is neutral and slightly polar, at codon 304 of the SCN9A protein (p.Tyr304Cys). This variant is not present in population databases (gnomAD no frequency). This variant has not been reported in the literature in individuals affected with SCN9A-related conditions. Advanced modeling of protein sequence and biophysical properties (such as structural, functional, and spatial information, amino acid conservation, physicochemical variation, residue mobility, and thermodynamic stability) performed at Invitae indicates that this missense variant is not expected to disrupt SCN9A protein function with a negative predictive value of 95%. In summary, the available evidence is currently insufficient to determine the role of this variant in disease. Therefore, it has been classified as a Variant of Uncertain Significance.